The following is an entry in ClinVar:

ClinVar aggregate classification (germline): Conflicting classifications of pathogenicity. Review status: criteria provided, conflicting classifications (1 of 4 stars). 2 submissions from 2 submitters: Uncertain significance (1); Likely benign (1). Last evaluated 2024-12-06.

Conditions:
Hereditary cancer-predisposing syndrome. Also called: Neoplastic Syndromes, Hereditary; Tumor predisposition; Hereditary Cancer Syndrome; Hereditary neoplastic syndrome. Identifiers: Orphanet 140162, MedGen C0027672, MeSH D009386, MONDO:0015356.
Oligodontia-cancer predisposition syndrome. Also called: TOOTH AGENESIS-COLORECTAL CANCER SYNDROME. Identifiers: Orphanet 300576, MedGen C1837750, MONDO:0012075, OMIM 608615. Disease mechanism: loss of function.

Allele frequency attached by ClinVar (database versions not stated): gnomAD exomes below 0.00001; TOPMed below 0.00001; ExAC 0.00001; gnomAD 0.00001.
gnomAD v4.1: 3 of 1,613,090 alleles (0.00019%); highest among the groups gnomAD compares: African/African-American, 0.0027%; no homozygotes.

Submissions (2):

Ambry Genetics
Classification: Likely benign for Hereditary cancer-predisposing syndrome. Last evaluated: 2024-12-06. Review status: criteria provided, single submitter. Criteria: Ambry Variant Classification Scheme 2023. Collection method: clinical testing. Allele origin: germline.

Labcorp Genetics (formerly Invitae), Labcorp
Classification: Uncertain significance for Oligodontia-cancer predisposition syndrome. Last evaluated: 2024-10-02. Review status: criteria provided, single submitter. Criteria: Invitae Variant Classification Sherloc (09022015). Collection method: clinical testing. Allele origin: germline.
Comment: This sequence change replaces proline, which is neutral and non-polar, with leucine, which is neutral and non-polar, at codon 670 of the AXIN2 protein (p.Pro670Leu). This variant is present in population databases (rs748754551, gnomAD 0.007%). This variant has not been reported in the literature in individuals affected with AXIN2-related conditions. ClinVar contains an entry for this variant (Variation ID: 464589). Invitae Evidence Modeling of protein sequence and biophysical properties (such as structural, functional, and spatial information, amino acid conservation, physicochemical variation, residue mobility, and thermodynamic stability) indicates that this missense variant is not expected to disrupt AXIN2 protein function with a negative predictive value of 80%. In summary, the available evidence is currently insufficient to determine the role of this variant in disease. Therefore, it has been classified as a Variant of Uncertain Significance.

NM_004655.4(AXIN2):c.2009C>T (p.Pro670Leu)

Gene: AXIN2 (axin 2; minus strand). Cytogenetic location: 17q24.1.
Variant type: single nucleotide variant.
Coding change: c.2009C>T on transcript NM_004655.4 (MANE Select); coding-DNA position 2009, C replaced by T.
Protein change: p.Pro670Leu; replaces proline 670 with leucine.
Molecular consequence: missense variant.
Genome position (GRCh38, 1-based): chr17:65,536,452, G>A on the plus strand (C>T on the coding strand, the complement: AXIN2 is on the minus strand). VCF-style: chr17-65536452-G-A. GRCh37 (hg19) VCF-style: chr17-63532570-G-A.
Other names: c.1814C>T, p.Pro605Leu (NM_001363813.1); c.2009C>T (LRG_296t1); short protein forms P670L, P605L.
Identifiers: ClinVar variation 464589 (VCV000464589.11), dbSNP rs748754551, ClinGen allele CA8718432.
Genomic context (GRCh38, chr17:65,536,452, plus strand): 5'-GGGGTCAGGGGAGGCATCGCAGGGTCCTGGGTGAACAGGTGGGCACGGGGGGTGGTGCGG[G>A]GGTGCCCGCTGTTGCCCCCCCACAGATGGTGCCGGCTGGCTCGTTCGCCTGGAGACGAGC-3'
Protein context (NP_004646.3, residues 660-680): HHLWGGNSGH[Pro670Leu]RTTPRAHLFT